The following is an entry in ClinVar:

ClinVar aggregate classification (germline): Uncertain significance. Review status: criteria provided, multiple submitters, no conflicts (2 of 4 stars). 2 submissions from 2 submitters: Uncertain significance (2). Last evaluated 2025-06-06.

Conditions:
Early-infantile DEE. Also called: Early infantile epileptic encephalopathy; Ohtahara syndrome; Early infantile epileptic encephalopathy with suppression bursts. Identifiers: Orphanet 1934, MedGen C0393706, MONDO:0800491.

Submissions (2):

GeneDx
Classification: Uncertain significance. Last evaluated: 2025-06-06. Review status: criteria provided, single submitter. Criteria: GeneDx Variant Classification Process June 2021. Collection method: clinical testing. Allele origin: germline. Affected: yes.
Comment: Not observed at significant frequency in large population cohorts (gnomAD); In silico analysis supports that this missense variant has a deleterious effect on protein structure/function; Has not been previously published as pathogenic or benign to our knowledge; This substitution is predicted to be within the transmembrane segment S2 of the second homologous domain

Labcorp Genetics (formerly Invitae), Labcorp
Classification: Uncertain significance for Early-infantile DEE. Last evaluated: 2024-04-02. Review status: criteria provided, single submitter. Criteria: Invitae Variant Classification Sherloc (09022015). Collection method: clinical testing. Allele origin: germline.
Comment: This sequence change replaces threonine, which is neutral and polar, with proline, which is neutral and non-polar, at codon 808 of the SCN1A protein (p.Thr808Pro). This variant is not present in population databases (gnomAD no frequency). This variant has not been reported in the literature in individuals affected with SCN1A-related conditions. ClinVar contains an entry for this variant (Variation ID: 2049541). Advanced modeling of protein sequence and biophysical properties (such as structural, functional, and spatial information, amino acid conservation, physicochemical variation, residue mobility, and thermodynamic stability) performed at Invitae indicates that this missense variant is expected to disrupt SCN1A protein function with a positive predictive value of 95%. In summary, the available evidence is currently insufficient to determine the role of this variant in disease. Therefore, it has been classified as a Variant of Uncertain Significance.

NM_001165963.4(SCN1A):c.2422A>C (p.Thr808Pro)

Gene: SCN1A (sodium voltage-gated channel alpha subunit 1; minus strand). Cytogenetic location: 2q24.3.
Variant type: single nucleotide variant.
Coding change: c.2422A>C on transcript NM_001165963.4 (MANE Select); coding-DNA position 2422, A replaced by C.
Protein change: p.Thr808Pro; replaces threonine 808 with proline.
Molecular consequence: missense variant. On other transcripts: 5 prime UTR variant (1), non-coding transcript variant (1).
Genome position (GRCh38, 1-based): chr2:166,039,590, T>G on the plus strand (A>C on the coding strand, the complement: SCN1A is on the minus strand). VCF-style: chr2-166039590-T-G. GRCh37 (hg19) VCF-style: chr2-166896100-T-G.
Other names: c.2422A>C (NM_001165963.1); c.2338A>C, p.Thr780Pro (NM_001165964.3, NM_001353957.2, NM_001353958.2); c.2422A>C, p.Thr808Pro (NM_001202435.3, NM_001353948.2); c.2389A>C, p.Thr797Pro (NM_001353949.2, NM_001353950.2, NM_001353951.2 and 2 more transcripts); c.2386A>C, p.Thr796Pro (NM_001353954.2, NM_001353955.2); c.2335A>C, p.Thr779Pro (NM_001353960.2); c.-21A>C (NM_001353961.2); short protein forms T796P, T797P, T779P, T780P, T808P.
Identifiers: ClinVar variation 2049541 (VCV002049541.5), dbSNP rs121918758, ClinGen allele CA349062797.